The following is an entry in ClinVar:

ClinVar aggregate classification (germline): Uncertain significance (1 of 4 stars; one submission).

Allele frequency attached by ClinVar (database versions not stated): gnomAD exomes below 0.00001; TOPMed below 0.00001.
gnomAD v4.1: 2 of 1,523,502 alleles (0.00013%); highest among the groups gnomAD compares: Non-Finnish European, 0.00018%; no homozygotes.

Submission:

Labcorp Genetics (formerly Invitae), Labcorp
Classification: Uncertain significance. Last evaluated: 2021-07-29. Review status: criteria provided, single submitter. Criteria: Invitae Variant Classification Sherloc (09022015). Collection method: clinical testing. Allele origin: germline.
Comment: In summary, the available evidence is currently insufficient to determine the role of this variant in disease. Therefore, it has been classified as a Variant of Uncertain Significance. Algorithms developed to predict the effect of missense changes on protein structure and function output the following: SIFT: "Not Available"; PolyPhen-2: "Benign"; Align-GVGD: "Not Available". The threonine amino acid residue is found in multiple mammalian species, which suggests that this missense change does not adversely affect protein function. This sequence change replaces alanine with threonine at codon 49 of the KCNK4 protein (p.Ala49Thr). The alanine residue is weakly conserved and there is a small physicochemical difference between alanine and threonine. This variant is not present in population databases (ExAC no frequency). This variant has not been reported in the literature in individuals affected with KCNK4-related conditions.

NM_033310.3(KCNK4):c.145G>A (p.Ala49Thr)

Genes: KCNK4 (potassium two pore domain channel subfamily K member 4; plus strand), KCNK4-CATSPERZ (KCNK4-CATSPERZ readthrough (NMD candidate); plus strand). Cytogenetic location: 11q13.1.
Variant type: single nucleotide variant.
Coding change: c.145G>A on transcript NM_033310.3 (MANE Select); coding-DNA position 145, G replaced by A.
Protein change: p.Ala49Thr; replaces alanine 49 with threonine.
Molecular consequence: missense variant. On other transcripts: non-coding transcript variant (2).
Genome position (GRCh38, 1-based): chr11:64,293,163, G>A. VCF-style: chr11-64293163-G-A. GRCh37 (hg19) VCF-style: chr11-64060635-G-A.
Other names: c.145G>A, p.Ala49Thr (NM_001317090.2); short protein forms A49T.
Identifiers: ClinVar variation 1370882 (VCV001370882.6), dbSNP rs2034682085, ClinGen allele CA381158542.
Genomic context (GRCh38, chr11:64,293,163, plus strand): 5'-CAGCCCCACGAGCAGCAGGCCCAGAGGGAGCTGGGGGAGGTCCGAGAGAAGTTCCTGAGG[G>A]CCCATCCGTGTGTGAGCGACCAGGAGCTGGGCCTCCTCATCAAGGTGCGTGGGTGGGCCG-3'
Protein context (NP_201567.1, residues 39-59): LGEVREKFLR[Ala49Thr]HPCVSDQELG